The following is an entry in ClinVar:

NM_004168.4(SDHA):c.1555A>G (p.Met519Val)

Gene: SDHA (succinate dehydrogenase complex flavoprotein subunit A; plus strand). Cytogenetic location: 5p15.33.
Variant type: single nucleotide variant.
Coding change: c.1555A>G on transcript NM_004168.4 (MANE Select); coding-DNA position 1555, A replaced by G.
Protein change: p.Met519Val; replaces methionine 519 with valine.
Molecular consequence: missense variant. On other transcripts: intron variant (1).
Genome position (GRCh38, 1-based): chr5:250,995, A>G. VCF-style: chr5-250995-A-G. GRCh37 (hg19) VCF-style: chr5-251110-A-G.
Other names: c.1411A>G, p.Met471Val (NM_001294332.2); c.1552-3398A>G (NM_001330758.2); short protein forms M471V, M519V.
Identifiers: ClinVar variation 1478481 (VCV001478481.12), dbSNP rs2126631942, ClinGen allele CA358998410.

ClinVar aggregate classification (germline): Uncertain significance. Review status: criteria provided, multiple submitters, no conflicts (2 of 4 stars). 3 submissions from 3 submitters: Uncertain significance (3). Last evaluated 2025-08-13.

Conditions:
Mitochondrial complex II deficiency, nuclear type 1. Also called: SUCCINATE CoQ REDUCTASE DEFICIENCY. Identifiers: Orphanet 3208, MedGen C5700310, MONDO:0100294, OMIM 252011.
Pheochromocytoma/paraganglioma syndrome 5. Also called: Paragangliomas 5; SDHA-Related Hereditary Paraganglioma-Pheochromocytoma Syndrome. Identifiers: Orphanet 29072, MedGen C3279992, MONDO:0013602, OMIM 614165.
Hereditary cancer-predisposing syndrome. Also called: Neoplastic Syndromes, Hereditary; Hereditary Cancer Syndrome; Hereditary neoplastic syndrome; Tumor predisposition. Identifiers: Orphanet 140162, MedGen C0027672, MeSH D009386, MONDO:0015356.

Submissions (3):

Labcorp Genetics (formerly Invitae), Labcorp
Classification: Uncertain significance for Pheochromocytoma/paraganglioma syndrome 5; Mitochondrial complex II deficiency, nuclear type 1. Last evaluated: 2025-08-13. Review status: criteria provided, single submitter. Criteria: Invitae Variant Classification Sherloc (09022015). Collection method: clinical testing. Allele origin: germline.
Comment: This sequence change replaces methionine, which is neutral and non-polar, with valine, which is neutral and non-polar, at codon 519 of the SDHA protein (p.Met519Val). This variant is not present in population databases (gnomAD no frequency). This variant has not been reported in the literature in individuals affected with SDHA-related conditions. ClinVar contains an entry for this variant (Variation ID: 1478481). Invitae Evidence Modeling of protein sequence and biophysical properties (such as structural, functional, and spatial information, amino acid conservation, physicochemical variation, residue mobility, and thermodynamic stability) has been performed for this missense variant. However, the output from this modeling did not meet the statistical confidence thresholds required to predict the impact of this variant on SDHA protein function. In summary, the available evidence is currently insufficient to determine the role of this variant in disease. Therefore, it has been classified as a Variant of Uncertain Significance.

GeneDx
Classification: Uncertain significance. Last evaluated: 2025-05-15. Review status: criteria provided, single submitter. Criteria: GeneDx Variant Classification Process June 2021. Collection method: clinical testing. Allele origin: germline. Affected: yes.
Comment: Has not been previously published as pathogenic or benign to our knowledge; In silico analysis supports that this missense variant has a deleterious effect on protein structure/function; Not observed at significant frequency in large population cohorts (gnomAD)

Ambry Genetics
Classification: Uncertain significance for Hereditary cancer-predisposing syndrome. Last evaluated: 2023-06-26. Review status: criteria provided, single submitter. Criteria: Ambry Variant Classification Scheme 2023. Collection method: clinical testing. Allele origin: germline.
Comment: The p.M519V variant (also known as c.1555A>G), located in coding exon 12 of the SDHA gene, results from an A to G substitution at nucleotide position 1555. The methionine at codon 519 is replaced by valine, an amino acid with highly similar properties. This amino acid position is highly conserved in available vertebrate species. In addition, this alteration is predicted to be deleterious by in silico analysis. Since supporting evidence is limited at this time, the clinical significance of this alteration remains unclear.